The following is an entry in ClinVar:

ClinVar aggregate classification (germline): Pathogenic/Likely pathogenic. Review status: criteria provided, multiple submitters, no conflicts (2 of 4 stars). 2 submissions from 2 submitters: Pathogenic (1); Likely pathogenic (1). Last evaluated 2024-02-05.

Conditions:
Autosomal recessive nonsyndromic hearing loss 3. Also called: NEUROSENSORY NONSYNDROMIC RECESSIVE DEAFNESS 3. Identifiers: Orphanet 90636, MedGen C1838263, MONDO:0010860, OMIM 600316.

Submissions (2):

Labcorp Genetics (formerly Invitae), Labcorp
Classification: Pathogenic. Last evaluated: 2024-02-05. Review status: criteria provided, single submitter. Criteria: Invitae Variant Classification Sherloc (09022015). Collection method: clinical testing. Allele origin: germline.
Comment: This sequence change creates a premature translational stop signal (p.Asn3124Lysfs*27) in the MYO15A gene. It is expected to result in an absent or disrupted protein product. Loss-of-function variants in MYO15A are known to be pathogenic (PMID: 17546645). This variant is not present in population databases (gnomAD no frequency). This premature translational stop signal has been observed in individual(s) with deafness (PMID: 31827275). ClinVar contains an entry for this variant (Variation ID: 869474). For these reasons, this variant has been classified as Pathogenic.

Victorian Clinical Genetics Services, Murdoch Childrens Research Institute
Classification: Likely pathogenic for Autosomal recessive nonsyndromic hearing loss 3. Last evaluated: 2017-08-22. Review status: criteria provided, single submitter. Criteria: ACMG Guidelines, 2015. Collection method: clinical testing. Allele origin: unknown. Affected: yes.
Comment: A heterozygous duplication variant was identified in exon 56 of MYO15A, NM_016239.3(MYO15A):c.9371dupA . This duplication creates a frameshift from amino acid position 3124, introducing a stop codon 27 residues downstream, NP_057323.3(MYO15A):p.(Asn3124Lysfs*27). This is predicted to result in loss of protein function either through truncation (quarter of the protein, including multiple functional domains) or nonsense-mediated decay, which is a reported mechanism of pathogenicity for this gene.This variant is present in the gnomAD population database at a frequency of 0.002%. It has not been previously observed in other clinical cases. Additionally, other truncating/frameshift variants downstream of c.9371dupA in MYO15A have been reported as pathogenic in individuals with autosomal recessive deafness 3 (ClinVar). Based on current information and in association with the NM_016239.3(MYO15A):c.10250_10252delCCT in-frame deletion variant, this variant has been classified as LIKELY PATHOGENIC.

Literature cited by the submitters: PubMed 17546645 (cited by Labcorp Genetics (formerly Invitae), Labcorp); PubMed 31827275 (cited by Labcorp Genetics (formerly Invitae), Labcorp).

NM_016239.4(MYO15A):c.9371dup (p.Asn3124fs)

Gene: MYO15A (myosin XVA; plus strand). Cytogenetic location: 17p11.2.
Variant type: Duplication.
Coding change: c.9371dup on transcript NM_016239.4 (MANE Select); coding-DNA position 9371, one base duplicated (A; older notation c.9371dupA).
Protein change: p.Asn3124fs; shifts the reading frame from asparagine 3124.
Molecular consequence: frameshift variant.
Genome position (GRCh38, 1-based): chr17:18,160,002, A duplicated; the last of 2 consecutive A bases (chr17:18,160,001-18,160,002); duplicating either gives the same sequence. VCF-style (leftmost placement, unchanged base first): chr17-18160000-C-CA. GRCh37 (hg19) VCF-style: chr17-18063314-C-CA.
Other names: short protein forms N3124fs.
Identifiers: ClinVar variation 869474 (VCV000869474.4), dbSNP rs2046752611, ClinGen allele CA916083535.